The following is an entry in ClinVar:

ClinVar aggregate classification (germline): Benign. Review status: criteria provided, multiple submitters, no conflicts (2 of 4 stars). 2 submissions from 2 submitters: Benign (2). Last evaluated 2018-01-12.

Conditions:
Sulfite oxidase deficiency due to molybdenum cofactor deficiency type B1 (MOCODB1). Also called: Molybdenum cofactor deficiency B; Molybdenum cofactor deficiency, complementation group B; MOLYBDENUM COFACTOR DEFICIENCY, TYPE B1; Sulfite oxidase deficiency due to molybdenum cofactor deficiency type B. Identifiers: Orphanet 308393, Orphanet 833, MedGen C6065887, MONDO:0009644, OMIM 252160.

Allele frequency attached by ClinVar (database versions not stated): gnomAD 0.00074 and 0.00092; TOPMed 0.00108; 1000 Genomes Project 0.00559; 1000 Genomes Project 30x 0.00578.

Submissions (2):

Illumina Laboratory Services, Illumina
Classification: Benign for Sulfite oxidase deficiency due to molybdenum cofactor deficiency type B1. Last evaluated: 2018-01-12. Review status: criteria provided, single submitter. Criteria: ICSL Variant Classification Criteria 13 December 2019. Collection method: clinical testing. Allele origin: germline.
Comment: This variant was observed in the ICSL laboratory as part of a predisposition screen in an ostensibly healthy population. It had not been previously curated by ICSL or reported in the Human Gene Mutation Database (HGMD: prior to June 1st, 2018), and was therefore a candidate for classification through an automated scoring system. Utilizing variant allele frequency, disease prevalence and penetrance estimates, and inheritance mode, an automated score was calculated to assess if this variant is too frequent to cause the disease. Based on the score and internal cut-off values, a variant classified as benign is not then subjected to further curation. The score for this variant resulted in a classification of benign for this disease.

Breakthrough Genomics
Classification: Benign. Review status: criteria provided, single submitter. Criteria: ACMG Guidelines, 2015. Collection method: not provided. Allele origin: germline. Inheritance: Autosomal recessive inheritance. Affected: yes.

NM_004531.5(MOCS2):c.*735G>A

Gene: MOCS2 (molybdenum cofactor synthesis 2; minus strand). Cytogenetic location: 5q11.2.
Variant type: single nucleotide variant.
Coding change: c.*735G>A on transcript NM_004531.5 (MANE Select); 735 bases downstream of the stop codon, G replaced by A.
Molecular consequence: 3 prime UTR variant.
Genome position (GRCh38, 1-based): chr5:53,097,867, C>T on the plus strand (G>A on the coding strand, the complement: MOCS2 is on the minus strand). VCF-style: chr5-53097867-C-T. GRCh37 (hg19) VCF-style: chr5-52393697-C-T.
Other names: c.*1222G>A (NM_176806.4).
Identifiers: ClinVar variation 907211 (VCV000907211.5), dbSNP rs144697442, ClinGen allele CA118883644.